The following is an entry in ClinVar:

NM_001080512.3(BICC1):c.26A>T (p.Tyr9Phe)

Gene: BICC1 (BicC family RNA binding protein 1; plus strand). Cytogenetic location: 10q21.1.
Variant type: single nucleotide variant.
Coding change: c.26A>T on transcript NM_001080512.3 (MANE Select); coding-DNA position 26, A replaced by T.
Protein change: p.Tyr9Phe; replaces tyrosine 9 with phenylalanine.
Molecular consequence: missense variant.
Genome position (GRCh38, 1-based): chr10:58,513,169, A>T. VCF-style: chr10-58513169-A-T. GRCh37 (hg19) VCF-style: chr10-60272929-A-T.
Other names: short protein forms Y9F.
Identifiers: ClinVar variation 2787162 (VCV002787162.3), dbSNP rs2492304271, ClinGen allele CA377058313.

ClinVar aggregate classification (germline): Uncertain significance (1 of 4 stars; one submission).

Submission:

Labcorp Genetics (formerly Invitae), Labcorp
Classification: Uncertain significance. Last evaluated: 2023-05-23. Review status: criteria provided, single submitter. Criteria: Invitae Variant Classification Sherloc (09022015). Collection method: clinical testing. Allele origin: germline.
Comment: In summary, the available evidence is currently insufficient to determine the role of this variant in disease. Therefore, it has been classified as a Variant of Uncertain Significance. Algorithms developed to predict the effect of missense changes on protein structure and function output the following: SIFT: "Not Available"; PolyPhen-2: "Benign"; Align-GVGD: "Not Available". The phenylalanine amino acid residue is found in multiple mammalian species, which suggests that this missense change does not adversely affect protein function. This sequence change replaces tyrosine, which is neutral and polar, with phenylalanine, which is neutral and non-polar, at codon 9 of the BICC1 protein (p.Tyr9Phe). This variant is not present in population databases (gnomAD no frequency). This variant has not been reported in the literature in individuals affected with BICC1-related conditions.